The following is an entry in ClinVar:

NM_033215.5(PPP1R3F):c.1257dup (p.Ser420fs)

Gene: PPP1R3F (protein phosphatase 1 regulatory subunit 3F; plus strand). Cytogenetic location: Xp11.23.
Variant type: Duplication.
Coding change: c.1257dup on transcript NM_033215.5 (MANE Select); coding-DNA position 1257, one base duplicated (C; older notation c.1257dupC).
Protein change: p.Ser420fs; shifts the reading frame from serine 420.
Molecular consequence: frameshift variant.
Genome position (GRCh38, 1-based): chrX:49,285,947, C duplicated; the last of 6 consecutive C bases (chrX:49,285,942-49,285,947); duplicating any one gives the same sequence. VCF-style (leftmost placement, unchanged base first): chrX-49285941-T-TC. GRCh37 (hg19) VCF-style: chrX-49142403-T-TC.
Other names: c.219dup, p.Ser74fs (NM_001184745.2); short protein forms S420fs, S74fs.
Identifiers: ClinVar variation 4686600 (VCV004686600.2).

ClinVar aggregate classification (germline): Uncertain significance (1 of 4 stars; one submission).

Conditions:
PPP1R3F-related neurodevelopmental disorder.

Submission:

Department of Clinical Genetics, Aarhus University Hospital
Classification: Uncertain significance for PPP1R3F-related neurodevelopmental disorder. Review status: criteria provided, single submitter. Criteria: ACMG Guidelines, 2015. Collection method: clinical testing. Allele origin: inherited. Inheritance: X-linked recessive inheritance. Affected: yes. Observed: 3 variant alleles, 3 hemizygotes. Clinical features observed: Seizure (HP:0001250), Ataxia (HP:0001253).
Comment: The variant is not seen in the gnomAD 4.1 database. To our knowledge the variant has not been reported in the literature in individuals with PPP1R3F-related disorder. However, another frameshift variant c.1290dupC; pArg431Glnfs*34 resulting in a PTC at same position (p.465) has been associated to PPP1R3F-related disorder (PMID: 37531237). While the variant is not anticipated to result in nonsense mediated decay, as the PTC is in within the last exon 4, it is expected to disrupt a region critical to protein function (PMID: 28325759). According to the ACMG guidelines, this variant is interpreted as a variant of uncertain significance (PVS1_strong, PM2_supporting, BS2).

Literature cited by the submitters: PubMed 30192042; PubMed 37531237; PubMed 28325759; PubMed 35388186; PubMed 26647099.